The following is an entry in ClinVar:

NM_001378615.1(CC2D2A):c.2182-8G>A

Genes: CC2D2A (coiled-coil and C2 domain containing 2A; plus strand), FBXL5 (F-box and leucine rich repeat protein 5; minus strand). Cytogenetic location: 4p15.32.
Variant type: single nucleotide variant.
Coding change: c.2182-8G>A on transcript NM_001378615.1 (MANE Select); 8 bases into the intron before coding-DNA position 2182, G replaced by A.
Molecular consequence: intron variant.
Genome position (GRCh38, 1-based): chr4:15,550,816, G>A. VCF-style: chr4-15550816-G-A. GRCh37 (hg19) VCF-style: chr4-15552439-G-A.
Other names: c.2182-8G>A (NM_001080522.2); c.2035-8G>A (NM_001378617.1).
Identifiers: ClinVar variation 722460 (VCV000722460.12), dbSNP rs370731685, ClinGen allele CA2863862.
Genomic context (GRCh38, chr4:15,550,816, plus strand): 5'-CTGATTATCTGAGCGTGAGCACACACTACTGCTGTTTTTATTGGCTATTTCTCTTCTCTG[G>A]TTTTCAGGTCTATGAAACTGTCGGACACAGTAGTCCCACCTTGCTAGCAGAAGTGTTTCT-3'

ClinVar aggregate classification (germline): Likely benign. Review status: criteria provided, multiple submitters, no conflicts (2 of 4 stars). 4 submissions from 4 submitters: Likely benign (3). 1 of the submissions does not count toward it. Last evaluated 2025-12-28.

Conditions:
CC2D2A-related disorder. Also called: CC2D2A-related condition; CC2D2A-related disorders. Identifiers: MedGen CN239313.
Meckel-Gruber syndrome. Also called: Dysencephalia splachnocystica; DYSENCEPHALIA SPLANCHNOCYSTICA; GRUBER SYNDROME. Identifiers: Orphanet 564, MedGen C0265215, MONDO:0018921.
Joubert syndrome. Also called: Familial aplasia of the vermis; JOUBERT-BOLTSHAUSER SYNDROME. Identifiers: Orphanet 475, MedGen C5979921, MONDO:0018772.

Allele frequency attached by ClinVar (database versions not stated): ESP Exome Variant Server 0.00008; ExAC 0.00009; gnomAD 0.00009; gnomAD exomes 0.00009; TOPMed 0.00009; 1000 Genomes Project 30x 0.00016.
gnomAD v4.1: 101 of 1,550,668 alleles (0.0065%); highest among the groups gnomAD compares: Middle Eastern, 0.16%; 2 homozygotes.

Submissions (4):

Labcorp Genetics (formerly Invitae), Labcorp
Classification: Likely benign for Joubert syndrome; Meckel-Gruber syndrome. Last evaluated: 2025-12-28. Review status: criteria provided, single submitter. Criteria: Invitae Variant Classification Sherloc (09022015). Collection method: clinical testing. Allele origin: germline.

Blueprint Genetics
Classification: Likely benign. Last evaluated: 2024-05-22. Review status: criteria provided, single submitter. Criteria: ACMG Guidelines, 2015. Collection method: clinical testing. Allele origin: germline.

Breakthrough Genomics
Classification: Likely benign. Review status: criteria provided, single submitter. Criteria: ACMG Guidelines, 2015. Collection method: not provided. Allele origin: germline. Inheritance: Autosomal recessive inheritance. Affected: yes.

PreventionGenetics, part of Exact Sciences
Classification: Likely benign for CC2D2A-related condition. Last evaluated: 2023-03-15. Review status: no assertion criteria provided. Collection method: clinical testing. Allele origin: germline. Not counted in ClinVar's aggregate classification.
Comment: This variant is classified as likely benign based on ACMG/AMP sequence variant interpretation guidelines (Richards et al. 2015 PMID: 25741868, with internal and published modifications).